The following is an entry in ClinVar:

ClinVar aggregate classification (germline): Uncertain significance (1 of 4 stars; one submission).

Submission:

Labcorp Genetics (formerly Invitae), Labcorp
Classification: Uncertain significance. Last evaluated: 2022-04-03. Review status: criteria provided, single submitter. Criteria: Invitae Variant Classification Sherloc (09022015). Collection method: clinical testing. Allele origin: germline.
Comment: This sequence change replaces glutamic acid, which is acidic and polar, with glutamine, which is neutral and polar, at codon 854 of the RNF31 protein (p.Glu854Gln). This variant is not present in population databases (gnomAD no frequency). This variant has not been reported in the literature in individuals affected with RNF31-related conditions. Algorithms developed to predict the effect of missense changes on protein structure and function are either unavailable or do not agree on the potential impact of this missense change (SIFT: "Deleterious"; PolyPhen-2: "Benign"; Align-GVGD: "Class C0"). In summary, the available evidence is currently insufficient to determine the role of this variant in disease. Therefore, it has been classified as a Variant of Uncertain Significance.

NM_017999.5(RNF31):c.2560G>C (p.Glu854Gln)

Gene: RNF31 (ring finger protein 31; plus strand). Cytogenetic location: 14q12.
Variant type: single nucleotide variant.
Coding change: c.2560G>C on transcript NM_017999.5 (MANE Select); coding-DNA position 2560, G replaced by C.
Protein change: p.Glu854Gln; replaces glutamic acid 854 with glutamine.
Molecular consequence: missense variant.
Genome position (GRCh38, 1-based): chr14:24,157,356, G>C. VCF-style: chr14-24157356-G-C. GRCh37 (hg19) VCF-style: chr14-24626565-G-C.
Other names: c.2107G>C, p.Glu703Gln (NM_001310332.2); short protein forms E703Q, E854Q.
Identifiers: ClinVar variation 2110015 (VCV002110015.4), dbSNP rs970452412, ClinGen allele CA389305354.
Genomic context (GRCh38, chr14:24,157,356, plus strand): 5'-GAGCAGCACCGAGGTCGGAGCTGTGAGGACTTCCAGAACTGGAAACGCATGAACGACCCA[G>C]AATACCAGGCCCAGGGCCTAGCAATGTATCTTCAGGAAAACGGCATTGGTAAGGCCTCCC-3'
Protein context (NP_060469.4, residues 844-864): FQNWKRMNDP[Glu854Gln]YQAQGLAMYL